The following is an entry in ClinVar:

ClinVar aggregate classification (germline): Uncertain significance (1 of 4 stars; one submission).

Conditions:
Amelocerebrohypohidrotic syndrome (KTZS). Also called: Kohlschutter's syndrome; EPILEPSY AND YELLOW TEETH; EPILEPSY, DEMENTIA, AND AMELOGENESIS IMPERFECTA; KOHLSCHUTTER SYNDROME. Identifiers: Orphanet 1946, MedGen C0406740, MONDO:0009185, OMIM 226750.

Allele frequency attached by ClinVar (database versions not stated): gnomAD 0.00002 and 0.00003; TOPMed 0.00002.

Submission:

Labcorp Genetics (formerly Invitae), Labcorp
Classification: Uncertain significance for Amelocerebrohypohidrotic syndrome. Last evaluated: 2022-08-09. Review status: criteria provided, single submitter. Criteria: Invitae Variant Classification Sherloc (09022015). Collection method: clinical testing. Allele origin: germline.
Comment: This sequence change replaces alanine, which is neutral and non-polar, with threonine, which is neutral and polar, at codon 7 of the ROGDI protein (p.Ala7Thr). This variant is present in population databases (no rsID available, gnomAD 0.01%). This variant has not been reported in the literature in individuals affected with ROGDI-related conditions. ClinVar contains an entry for this variant (Variation ID: 1468790). Algorithms developed to predict the effect of missense changes on protein structure and function are either unavailable or do not agree on the potential impact of this missense change (SIFT: "Tolerated"; PolyPhen-2: "Not Available"; Align-GVGD: "Class C0"). In summary, the available evidence is currently insufficient to determine the role of this variant in disease. Therefore, it has been classified as a Variant of Uncertain Significance.

NM_024589.3(ROGDI):c.19G>A (p.Ala7Thr)

Gene: ROGDI (rogdi atypical leucine zipper; minus strand). Cytogenetic location: 16p13.3.
Variant type: single nucleotide variant.
Coding change: c.19G>A on transcript NM_024589.3 (MANE Select); coding-DNA position 19, G replaced by A.
Protein change: p.Ala7Thr; replaces alanine 7 with threonine.
Molecular consequence: missense variant. On other transcripts: non-coding transcript variant (1).
Genome position (GRCh38, 1-based): chr16:4,802,553, C>T on the plus strand (G>A on the coding strand, the complement: ROGDI is on the minus strand). VCF-style: chr16-4802553-C-T. GRCh37 (hg19) VCF-style: chr16-4852554-C-T.
Other names: short protein forms A7T.
Identifiers: ClinVar variation 1468790 (VCV001468790.5), dbSNP rs1350070250, ClinGen allele CA394656907.